The following is an entry in ClinVar:

ClinVar aggregate classification (germline): other (0 of 4 stars; one submission).

Conditions:
Familial colorectal cancer. Identifiers: MedGen CN280943, MONDO:0023113. Disease mechanism: loss of function.

Allele frequency attached by ClinVar (database versions not stated): gnomAD 0.37899 and 0.39254; TOPMed 0.39995; 1000 Genomes Project 30x 0.43020; 1000 Genomes Project 0.43610.
gnomAD v4.1: 59,876 of 152,038 alleles (39%); highest among the groups gnomAD compares: East Asian, 67%; 14,248 homozygotes.

Submission:

Systems Biology Platform Zhejiang California International NanoSystems Institute
Classification: other for Familial colorectal cancer. Review status: no assertion criteria provided. Collection method: not provided. Allele origin: unknown.
ClinVar note: Converted during submission from cancer to other.

NM_000038.6(APC):c.835-4995T>G

Gene: APC (APC regulator of WNT signaling pathway; plus strand). Cytogenetic location: 5q22.2.
Variant type: single nucleotide variant.
Coding change: c.835-4995T>G on transcript NM_000038.6 (MANE Select); 4995 bases into the intron before coding-DNA position 835, T replaced by G.
Molecular consequence: intron variant.
Genome position (GRCh38, 1-based): chr5:112,810,500, T>G. VCF-style: chr5-112810500-T-G. GRCh37 (hg19) VCF-style: chr5-112146197-T-G.
Other names: c.835-4995T>G (NM_001354895.2, NM_001127510.3, NM_001354896.2 and 1 more transcripts); c.865-4995T>G (NM_001354897.2, NM_001354902.2); c.781-4995T>G (NM_001127511.3); c.760-4995T>G (NM_001354898.2, NM_001354904.2); c.-16+189T>G (NM_001354906.2); c.751-4995T>G (NM_001354899.2); c.658-4995T>G (NM_001354900.2, NM_001354901.2, NM_001354905.2).
Identifiers: ClinVar variation 83081 (VCV000083081.2), dbSNP rs390092, ClinGen allele CA015254.